The following is an entry in ClinVar:

NM_001429.4(EP300):c.7094C>T (p.Ala2365Val)

Gene: EP300 (EP300 lysine acetyltransferase; plus strand). Cytogenetic location: 22q13.2.
Variant type: single nucleotide variant.
Coding change: c.7094C>T on transcript NM_001429.4 (MANE Select); coding-DNA position 7094, C replaced by T.
Protein change: p.Ala2365Val; replaces alanine 2365 with valine.
Molecular consequence: missense variant.
Genome position (GRCh38, 1-based): chr22:41,178,805, C>T. VCF-style: chr22-41178805-C-T. GRCh37 (hg19) VCF-style: chr22-41574809-C-T.
Other names: c.7016C>T, p.Ala2339Val (NM_001362843.2); c.7094C>T (NM_001429.3); short protein forms A2339V, A2365V.
Identifiers: ClinVar variation 2164119 (VCV002164119.5), dbSNP rs1288457396, ClinGen allele CA411684306.

ClinVar aggregate classification (germline): Conflicting classifications of pathogenicity. Review status: criteria provided, conflicting classifications (1 of 4 stars). 2 submissions from 2 submitters: Uncertain significance (1); Likely benign (1). Last evaluated 2026-01-05.

Conditions:
EP300-related disorder. Also called: EP300-related condition; EP300-related disorders.
Rubinstein-Taybi syndrome due to EP300 haploinsufficiency. Also called: EP300-Related Rubinstein-Taybi Syndrome; RUBINSTEIN-TAYBI SYNDROME 2. Identifiers: Orphanet 353284, Orphanet 783, MedGen C3150941, MONDO:0013364, OMIM 613684.

gnomAD v4.1: 3 of 1,614,148 alleles (0.00019%); highest among the groups gnomAD compares: Non-Finnish European, 0.00025%; no homozygotes.

Submissions (2):

Labcorp Genetics (formerly Invitae), Labcorp
Classification: Likely benign for Rubinstein-Taybi syndrome due to EP300 haploinsufficiency. Last evaluated: 2026-01-05. Review status: criteria provided, single submitter. Criteria: Invitae Variant Classification Sherloc (09022015). Collection method: clinical testing. Allele origin: germline.

PreventionGenetics, part of Exact Sciences
Classification: Uncertain significance for EP300-related condition. Last evaluated: 2025-07-09. Review status: criteria provided, single submitter. Criteria: ACMG Guidelines, 2015. Collection method: clinical testing. Allele origin: germline.
Comment: The EP300 c.7094C>T variant is predicted to result in the amino acid substitution p.Ala2365Val. To our knowledge, this variant has not been reported in the literature. This variant is reported in 0.00088% of alleles in individuals of European (Non-Finnish) descent in gnomAD. At this time, the clinical significance of this variant is uncertain due to the absence of conclusive functional and genetic evidence.